The following is an entry in ClinVar:

ClinVar aggregate classification (germline): Uncertain significance. Review status: criteria provided, multiple submitters, no conflicts (2 of 4 stars). 5 submissions from 3 submitters: Uncertain significance (5). Last evaluated 2024-10-16.

Conditions:
Hereditary spastic paraplegia 11. Also called: Spastic Paraplegia 11; SPASTIC PARAPLEGIA, AUTOSOMAL RECESSIVE, COMPLICATED, WITH THIN CORPUS CALLOSUM; SPASTIC PARAPLEGIA, AUTOSOMAL RECESSIVE, WITH MENTAL IMPAIRMENT AND THIN CORPUS CALLOSUM; Nakamura Osame syndrome; Autosomal recessive hereditary spastic paraplegia, mental impairment, and thin corpus callosum; Spastic paraplegia, mental retardation and thin corpus callosum. Identifiers: Orphanet 2822, MedGen C1858479, MONDO:0011445, OMIM 604360.
Charcot-Marie-Tooth disease axonal type 2X. Also called: CHARCOT-MARIE-TOOTH DISEASE, AXONAL, AUTOSOMAL RECESSIVE, TYPE 2X; CHARCOT-MARIE-TOOTH NEUROPATHY, TYPE 2X. Identifiers: Orphanet 466775, MedGen C5569024, MONDO:0014726, OMIM 616668.
Amyotrophic lateral sclerosis type 5 (ALS5). Also called: AMYOTROPHIC LATERAL SCLEROSIS 5, JUVENILE. Identifiers: Orphanet 300605, MedGen C1865864, MONDO:0011196, OMIM 602099.

Allele frequency attached by ClinVar (database versions not stated): gnomAD exomes below 0.00001 and 0.00001; TOPMed below 0.00001; gnomAD 0.00001.
gnomAD v4.1: 4 of 1,614,024 alleles (0.00025%); highest among the groups gnomAD compares: African/African-American, 0.0013%; no homozygotes.

Submissions (5):

Labcorp Genetics (formerly Invitae), Labcorp
Classification: Uncertain significance for Hereditary spastic paraplegia 11. Last evaluated: 2024-10-16. Review status: criteria provided, single submitter. Criteria: Invitae Variant Classification Sherloc (09022015). Collection method: clinical testing. Allele origin: germline.
Comment: This sequence change replaces alanine, which is neutral and non-polar, with glycine, which is neutral and non-polar, at codon 1756 of the SPG11 protein (p.Ala1756Gly). This variant is present in population databases (no rsID available, gnomAD 0.004%). This variant has not been reported in the literature in individuals affected with SPG11-related conditions. ClinVar contains an entry for this variant (Variation ID: 1520098). Invitae Evidence Modeling of protein sequence and biophysical properties (such as structural, functional, and spatial information, amino acid conservation, physicochemical variation, residue mobility, and thermodynamic stability) has been performed for this missense variant. However, the output from this modeling did not meet the statistical confidence thresholds required to predict the impact of this variant on SPG11 protein function. In summary, the available evidence is currently insufficient to determine the role of this variant in disease. Therefore, it has been classified as a Variant of Uncertain Significance.

Mayo Clinic Laboratories, Mayo Clinic
Classification: Uncertain significance. Last evaluated: 2022-01-04. Review status: criteria provided, single submitter. Criteria: ACMG Guidelines, 2015. Collection method: clinical testing. Allele origin: germline.

Genome-Nilou Lab
Classification: Uncertain significance for Amyotrophic lateral sclerosis type 5. Review status: criteria provided, single submitter. Criteria: ACMG Guidelines, 2015. Collection method: clinical testing. Allele origin: germline.

Genome-Nilou Lab
Classification: Uncertain significance for Charcot-Marie-Tooth disease axonal type 2X. Review status: criteria provided, single submitter. Criteria: ACMG Guidelines, 2015. Collection method: clinical testing. Allele origin: germline.

Genome-Nilou Lab
Classification: Uncertain significance for Hereditary spastic paraplegia 11. Review status: criteria provided, single submitter. Criteria: ACMG Guidelines, 2015. Collection method: clinical testing. Allele origin: germline.

NM_025137.4(SPG11):c.5267C>G (p.Ala1756Gly)

Genes: SPG11 (SPG11 vesicle trafficking associated, spatacsin; minus strand), LOC130056971 (ATAC-STARR-seq lymphoblastoid silent region 6398; plus strand). Cytogenetic location: 15q21.1.
Variant type: single nucleotide variant.
Coding change: c.5267C>G on transcript NM_025137.4 (MANE Select); coding-DNA position 5267, C replaced by G.
Protein change: p.Ala1756Gly; replaces alanine 1756 with glycine.
Molecular consequence: missense variant.
Genome position (GRCh38, 1-based): chr15:44,584,413, G>C on the plus strand (C>G on the coding strand, the complement: SPG11 is on the minus strand). VCF-style: chr15-44584413-G-C. GRCh37 (hg19) VCF-style: chr15-44876611-G-C.
Other names: p.Ala1756Gly; c.5267C>G, p.Ala1756Gly (NM_001160227.2); short protein forms A1756G.
Identifiers: ClinVar variation 1520098 (VCV001520098.11), dbSNP rs1185441476, ClinGen allele CA392222921.